The following is an entry in ClinVar:

NM_138409.4(MRAP2):c.357C>T (p.Tyr119=)

Gene: MRAP2 (melanocortin 2 receptor accessory protein 2; plus strand). Cytogenetic location: 6q14.2.
Variant type: single nucleotide variant.
Coding change: c.357C>T on transcript NM_138409.4 (MANE Select); coding-DNA position 357, C replaced by T.
Protein change: p.Tyr119=; no amino-acid change (tyrosine 119 retained).
Molecular consequence: synonymous variant.
Genome position (GRCh38, 1-based): chr6:84,089,220, C>T. VCF-style: chr6-84089220-C-T. GRCh37 (hg19) VCF-style: chr6-84798939-C-T.
Other names: c.99C>T, p.Tyr33= (NM_001346541.2); c.357C>T, p.Tyr119= (NM_001346542.2, NM_001346544.2); c.192C>T, p.Tyr64= (NM_001346543.2).
Identifiers: ClinVar variation 3354120 (VCV003354120.1).

ClinVar aggregate classification (germline): Likely benign (0 of 4 stars; one submission).

Conditions:
MRAP2-related disorder. Also called: MRAP2-related condition.

gnomAD v4.1: 1 of 1,614,196 alleles (0.000062%); highest among the groups gnomAD compares: Non-Finnish European, 0.000085%; no homozygotes.

Submission:

PreventionGenetics, part of Exact Sciences
Classification: Likely benign for MRAP2-related condition. Last evaluated: 2024-02-28. Review status: no assertion criteria provided. Collection method: clinical testing. Allele origin: germline.
Comment: This variant is classified as likely benign based on ACMG/AMP sequence variant interpretation guidelines (Richards et al. 2015 PMID: 25741868, with internal and published modifications).